The following is an entry in ClinVar:

NM_003265.3(TLR3):c.1271G>A (p.Ser424Asn)

Gene: TLR3 (toll like receptor 3; plus strand). Cytogenetic location: 4q35.1.
Variant type: single nucleotide variant.
Coding change: c.1271G>A on transcript NM_003265.3 (MANE Select); coding-DNA position 1271, G replaced by A.
Protein change: p.Ser424Asn; replaces serine 424 with asparagine.
Molecular consequence: missense variant.
Genome position (GRCh38, 1-based): chr4:186,082,957, G>A. VCF-style: chr4-186082957-G-A. GRCh37 (hg19) VCF-style: chr4-187004111-G-A.
Other names: short protein forms S424N.
Identifiers: ClinVar variation 2780519 (VCV002780519.3), dbSNP rs2478225971, ClinGen allele CA358931672.
Genomic context (GRCh38, chr4:186,082,957, plus strand): 5'-TTGCTCATTCTCCCTTACACATACTCAACCTAACCAAGAATAAAATCTCAAAAATAGAGA[G>A]TGATGCTTTCTCTTGGTTGGGCCACCTAGAAGTACTTGACCTGGGCCTTAATGAAATTGG-3'
Protein context (NP_003256.1, residues 414-434): LTKNKISKIE[Ser424Asn]DAFSWLGHLE

ClinVar aggregate classification (germline): Uncertain significance (1 of 4 stars; one submission).

Conditions:
Encephalopathy, acute, infection-induced (herpes-specific), susceptibility to, 1. Also called: Herpes simplex encephalitis, susceptibility to, 1. Identifiers: Orphanet 1930, MedGen C2750180, MONDO:0024563, OMIM 610551.

Allele frequency attached by ClinVar (database versions not stated): gnomAD exomes below 0.00001.
gnomAD v4.1: 3 of 1,614,200 alleles (0.00019%); highest among the groups gnomAD compares: Middle Eastern, 0.016%; no homozygotes.

Submission:

Labcorp Genetics (formerly Invitae), Labcorp
Classification: Uncertain significance for Encephalopathy, acute, infection-induced (herpes-specific), susceptibility to, 1. Last evaluated: 2023-11-10. Review status: criteria provided, single submitter. Criteria: Invitae Variant Classification Sherloc (09022015). Collection method: clinical testing. Allele origin: germline.
Comment: This sequence change replaces serine, which is neutral and polar, with asparagine, which is neutral and polar, at codon 424 of the TLR3 protein (p.Ser424Asn). This variant is not present in population databases (gnomAD no frequency). This variant has not been reported in the literature in individuals affected with TLR3-related conditions. Algorithms developed to predict the effect of missense changes on protein structure and function output the following: SIFT: "Not Available"; PolyPhen-2: "Benign"; Align-GVGD: "Not Available". The asparagine amino acid residue is found in multiple mammalian species, which suggests that this missense change does not adversely affect protein function. In summary, the available evidence is currently insufficient to determine the role of this variant in disease. Therefore, it has been classified as a Variant of Uncertain Significance.